The following is an entry in ClinVar:

ClinVar aggregate classification (germline): Uncertain significance (1 of 4 stars; one submission).

Conditions:
Nemaline myopathy 2 (NEM2). Also called: Nemaline myopathy 2, autosomal recessive. Identifiers: MedGen C1850569, MONDO:0009725, OMIM 256030.

gnomAD v4.1: 1 of 1,613,848 alleles (0.000062%); highest among the groups gnomAD compares: East Asian, 0.0022%; no homozygotes.

Submission:

Labcorp Genetics (formerly Invitae), Labcorp
Classification: Uncertain significance for Nemaline myopathy 2. Last evaluated: 2018-11-05. Review status: criteria provided, single submitter. Criteria: Invitae Variant Classification Sherloc (09022015). Collection method: clinical testing. Allele origin: germline.
Comment: In summary, the available evidence is currently insufficient to determine the role of this variant in disease. Therefore, it has been classified as a Variant of Uncertain Significance. Algorithms developed to predict the effect of missense changes on protein structure and function are either unavailable or do not agree on the potential impact of this missense change (SIFT: "Deleterious"; PolyPhen-2: "Not Available"; Align-GVGD: "Class C0"). This variant has not been reported in the literature in individuals with NEB-related disease. This variant is not present in population databases (ExAC no frequency). This sequence change replaces lysine with threonine at codon 628 of the NEB protein (p.Lys628Thr). The lysine residue is moderately conserved and there is a moderate physicochemical difference between lysine and threonine.

NM_001164508.2(NEB):c.1883A>C (p.Lys628Thr)

Gene: NEB (nebulin; minus strand). Cytogenetic location: 2q23.3.
Variant type: single nucleotide variant.
Coding change: c.1883A>C on transcript NM_001164508.2 (MANE Select); coding-DNA position 1883, A replaced by C.
Protein change: p.Lys628Thr; replaces lysine 628 with threonine.
Molecular consequence: missense variant.
Genome position (GRCh38, 1-based): chr2:151,694,336, T>G on the plus strand (A>C on the coding strand, the complement: NEB is on the minus strand). VCF-style: chr2-151694336-T-G. GRCh37 (hg19) VCF-style: chr2-152550850-T-G.
Other names: c.1883A>C, p.Lys628Thr (NM_001164507.2, NM_001271208.2, NM_004543.5); short protein forms K628T.
Identifiers: ClinVar variation 657506 (VCV000657506.8), dbSNP rs1176664285, ClinGen allele CA348824317.